The following is an entry in ClinVar:

NM_001009944.3(PKD1):c.4675GTG[1] (p.Val1560del)

Gene: PKD1 (polycystin 1, transient receptor potential channel interacting; minus strand). Cytogenetic location: 16p13.3.
Variant type: Microsatellite.
Coding change: c.4675GTG[1] on transcript NM_001009944.3 (MANE Select); one copy of the 3-base unit GTG starting at c.4675; the reference has two copies in a row; one copy, 3 bases deleted.
Protein change: p.Val1560del; deletes valine 1560.
Molecular consequence: inframe deletion. On other transcripts: inframe indel (2).
Genome position (GRCh38, 1-based): chr16:2,110,487-2,110,489, CAC deleted on the plus strand (GTG on the coding strand, the reverse complement: PKD1 is on the minus strand); deleting any 3 consecutive bases within chr16:2,110,487-2,110,493 gives the same sequence; the position shown is the placement nearest the transcript's 3' end. VCF-style (leftmost placement, unchanged base first): chr16-2110486-GCAC-G. GRCh37 (hg19) VCF-style: chr16-2160487-GCAC-G.
Other names: c.4675GTG[1], p.Val1560del (NM_000296.4); c.4674_4676GGT[1], p.Val1560del (NM_001009944.2); c.4678_4680delGTG (NM_001009944.2); short protein forms V1560del.
Identifiers: ClinVar variation 2630083 (VCV002630083.1), dbSNP rs2544819483, ClinGen allele CA2695197399.

ClinVar aggregate classification (germline): Uncertain significance (1 of 4 stars; one submission).

Conditions:
PKD1-related disorder. Also called: PKD1-related condition.

Submission:

PreventionGenetics, part of Exact Sciences
Classification: Uncertain significance for PKD1-related condition. Last evaluated: 2023-01-19. Review status: criteria provided, single submitter. Criteria: ACMG Guidelines, 2015. Collection method: clinical testing. Allele origin: germline.
Comment: The PKD1 c.4678_4680delGTG variant is predicted to result in an in-frame deletion (p.Val1560del). To our knowledge, this variant has not been reported in the literature or in a large population database, indicating this variant is rare. Of note, small in-frame deletions in this gene have been commonly reported to be pathogenic for autosomal dominant polycystic kidney disease (ADPKD) (Human Gene Mutation Database). Although we suspect that this variant may be pathogenic, at this time, the clinical significance of this variant is uncertain due to the absence of conclusive functional and genetic evidence.